The following is an entry in ClinVar:

NM_015425.6(POLR1A):c.3796G>A (p.Val1266Met)

Genes: POLR1A (RNA polymerase I subunit A; minus strand), LOC106783498 (conserved acetylation island sequence 34 enhancer; plus strand). Cytogenetic location: 2p11.2.
Variant type: single nucleotide variant.
Coding change: c.3796G>A on transcript NM_015425.6 (MANE Select); coding-DNA position 3796, G replaced by A.
Protein change: p.Val1266Met; replaces valine 1266 with methionine.
Molecular consequence: missense variant.
Genome position (GRCh38, 1-based): chr2:86,039,407, C>T on the plus strand (G>A on the coding strand, the complement: POLR1A is on the minus strand). VCF-style: chr2-86039407-C-T. GRCh37 (hg19) VCF-style: chr2-86266530-C-T.
Other names: short protein forms V1266M.
Identifiers: ClinVar variation 3011121 (VCV003011121.3), dbSNP rs774068438, ClinGen allele CA1745678.
Genomic context (GRCh38, chr2:86,039,407, plus strand): 5'-TGAGTTGCTTCTTCAGGCTTTTCACTCTCTTCAGGGCTTTCTTGGTGTTGAGCACGGGCA[C>T]GCTCATCATGGGTGTCTTGATGTTGGCGCTGGCCACCATGAGAATCTCCCGCAACCTGTC-3'
Protein context (NP_056240.2, residues 1256-1276): SANIKTPMMS[Val1266Met]PVLNTKKALK

ClinVar aggregate classification (germline): Uncertain significance (1 of 4 stars; one submission).

Allele frequency attached by ClinVar (database versions not stated): gnomAD exomes below 0.00001; ExAC 0.00001; gnomAD 0.00001; TOPMed 0.00001.
gnomAD v4.1: 5 of 1,613,906 alleles (0.00031%); highest among the groups gnomAD compares: Non-Finnish European, 0.00042%; no homozygotes.

Submission:

Labcorp Genetics (formerly Invitae), Labcorp
Classification: Uncertain significance. Last evaluated: 2023-07-18. Review status: criteria provided, single submitter. Criteria: Invitae Variant Classification Sherloc (09022015). Collection method: clinical testing. Allele origin: germline.
Comment: Advanced modeling of protein sequence and biophysical properties (such as structural, functional, and spatial information, amino acid conservation, physicochemical variation, residue mobility, and thermodynamic stability) performed at Invitae indicates that this missense variant is expected to disrupt POLR1A protein function. This variant has not been reported in the literature in individuals affected with POLR1A-related conditions. This variant is present in population databases (rs774068438, gnomAD 0.0009%). This sequence change replaces valine, which is neutral and non-polar, with methionine, which is neutral and non-polar, at codon 1266 of the POLR1A protein (p.Val1266Met). In summary, the available evidence is currently insufficient to determine the role of this variant in disease. Therefore, it has been classified as a Variant of Uncertain Significance.